The following is an entry in ClinVar:

ClinVar aggregate classification (germline): Pathogenic. Review status: criteria provided, multiple submitters, no conflicts (2 of 4 stars). 2 submissions from 2 submitters: Pathogenic (2). Last evaluated 2026-01-11.

Conditions:
Primary ciliary dyskinesia 3. Identifiers: Orphanet 244, MedGen C1837618, MONDO:0012085, OMIM 608644.

Submissions (2):

Myriad Genetics, Inc.
Classification: Pathogenic for Primary ciliary dyskinesia 3. Last evaluated: 2026-01-11. Review status: criteria provided, single submitter. Criteria: Myriad Autosomal Dominant, Autosomal Recessive and X-Linked Classification Criteria (2023). Collection method: clinical testing. Allele origin: unknown.
Comment: NM_001369.2(DNAH5):c.3142delG(V1048Sfs*45) is expected to be pathogenic in the context of primary ciliary dyskinesia, DNAH5-related. This variant is predicted to lead to an abnormal or absent protein product due to the creation of a premature termination codon in DNAH5, a gene where loss-of-function variants are known to be pathogenic. Please note: this variant was assessed in the context of healthy population screening.

3billion
Classification: Pathogenic for Primary ciliary dyskinesia 3. Last evaluated: 2024-06-19. Review status: criteria provided, single submitter. Criteria: ACMG Guidelines, 2015. Collection method: clinical testing. Allele origin: germline. Affected: yes.
Comment: The variant is not observed in the gnomAD v4.0.0 dataset. Predicted Consequence/Location: Frameshift: predicted to result in a loss or disruption of normal protein function through nonsense-mediated decay (NMD) or protein truncation. Multiple pathogenic variants are reported downstream of the variant. Therefore, this variant is classified as Pathogenic according to the recommendation of ACMG/AMP guideline.

NM_001369.3(DNAH5):c.3142del (p.Val1048fs)

Genes: DNAH5 (dynein axonemal heavy chain 5; minus strand), DNAH5-AS1 (DNAH5 antisense RNA 1; plus strand). Cytogenetic location: 5p15.2.
Variant type: Deletion.
Coding change: c.3142del on transcript NM_001369.3 (MANE Select); coding-DNA position 3142, one base deleted (G; older notation c.3142delG).
Protein change: p.Val1048fs; shifts the reading frame from valine 1048.
Molecular consequence: frameshift variant.
Genome position (GRCh38, 1-based): chr5:13,882,936, C deleted on the plus strand (G on the coding strand, the reverse complement: DNAH5 is on the minus strand); the first of 5 consecutive C bases (chr5:13,882,936-13,882,940); deleting any one gives the same sequence. VCF-style (leftmost placement, unchanged base first): chr5-13882935-AC-A. GRCh37 (hg19) VCF-style: chr5-13883044-AC-A.
Other names: short protein forms V1048fs.
Identifiers: ClinVar variation 4293224 (VCV004293224.2).